The following is an entry in ClinVar:

ClinVar aggregate classification (germline): Uncertain significance (1 of 4 stars; one submission).

Conditions:
Norman-Roberts syndrome (LIS2). Also called: Lissencephaly 2 (Norman-Roberts type). Identifiers: Orphanet 89844, MedGen C0796089, MONDO:0009760, OMIM 257320.
Familial temporal lobe epilepsy 7. Identifiers: Orphanet 101046, MedGen C4225327, MONDO:0014639, OMIM 616436.

Allele frequency attached by ClinVar (database versions not stated): gnomAD exomes below 0.00001 and 0.00001; ExAC 0.00001.

Submission:

Labcorp Genetics (formerly Invitae), Labcorp
Classification: Uncertain significance for Familial temporal lobe epilepsy 7; Norman-Roberts syndrome. Last evaluated: 2024-12-16. Review status: criteria provided, single submitter. Criteria: Invitae Variant Classification Sherloc (09022015). Collection method: clinical testing. Allele origin: germline.
Comment: This sequence change replaces valine, which is neutral and non-polar, with methionine, which is neutral and non-polar, at codon 1441 of the RELN protein (p.Val1441Met). This variant is present in population databases (rs752744198, gnomAD 0.0009%). This variant has not been reported in the literature in individuals affected with RELN-related conditions. ClinVar contains an entry for this variant (Variation ID: 1488039). Invitae Evidence Modeling of protein sequence and biophysical properties (such as structural, functional, and spatial information, amino acid conservation, physicochemical variation, residue mobility, and thermodynamic stability) indicates that this missense variant is not expected to disrupt RELN protein function with a negative predictive value of 80%. In summary, the available evidence is currently insufficient to determine the role of this variant in disease. Therefore, it has been classified as a Variant of Uncertain Significance.

NM_005045.4(RELN):c.4321G>A (p.Val1441Met)

Gene: RELN (reelin; minus strand). Cytogenetic location: 7q22.1.
Variant type: single nucleotide variant.
Coding change: c.4321G>A on transcript NM_005045.4 (MANE Select); coding-DNA position 4321, G replaced by A.
Protein change: p.Val1441Met; replaces valine 1441 with methionine.
Molecular consequence: missense variant.
Genome position (GRCh38, 1-based): chr7:103,574,282, C>T on the plus strand (G>A on the coding strand, the complement: RELN is on the minus strand). VCF-style: chr7-103574282-C-T. GRCh37 (hg19) VCF-style: chr7-103214729-C-T.
Other names: c.4321G>A, p.Val1441Met (NM_173054.3); short protein forms V1441M.
Identifiers: ClinVar variation 1488039 (VCV001488039.8), dbSNP rs752744198, ClinGen allele CA4421539.